The following is an entry in ClinVar:

NM_000264.5(PTCH1):c.3912G>A (p.Arg1304=)

Gene: PTCH1 (patched 1; minus strand). Cytogenetic location: 9q22.32.
Variant type: single nucleotide variant.
Coding change: c.3912G>A on transcript NM_000264.5 (MANE Select); coding-DNA position 3912, G replaced by A.
Protein change: p.Arg1304=; no amino-acid change (arginine 1304 retained).
Molecular consequence: synonymous variant. On other transcripts: non-coding transcript variant (1).
Genome position (GRCh38, 1-based): chr9:95,447,344, C>T on the plus strand (G>A on the coding strand, the complement: PTCH1 is on the minus strand). VCF-style: chr9-95447344-C-T. GRCh37 (hg19) VCF-style: chr9-98209626-C-T.
Other names: c.3714G>A, p.Arg1238= (NM_001083602.3); c.3909G>A, p.Arg1303= (NM_001083603.3); c.3459G>A, p.Arg1153= (NM_001083604.3, NM_001083605.3, NM_001083606.3 and 1 more transcripts); c.3756G>A, p.Arg1252= (NM_001354918.2).
Identifiers: ClinVar variation 824373 (VCV000824373.22), dbSNP rs757702954, ClinGen allele CA5138009.

ClinVar aggregate classification (germline): Likely benign. Review status: criteria provided, multiple submitters, no conflicts (2 of 4 stars). 3 submissions from 3 submitters: Likely benign (3). Last evaluated 2025-06-03.

Conditions:
Hereditary cancer-predisposing syndrome. Also called: Tumor predisposition; Hereditary neoplastic syndrome; Neoplastic Syndromes, Hereditary; Hereditary Cancer Syndrome. Identifiers: Orphanet 140162, MedGen C0027672, MeSH D009386, MONDO:0015356.
Gorlin syndrome. Also called: Nevoid Basal Cell Carcinoma Syndrome; Basal cell nevus syndrome. Identifiers: Orphanet 377, MedGen C0004779, MONDO:0007187.

Allele frequency attached by ClinVar (database versions not stated): ExAC 0.00001.
gnomAD v4.1: 2 of 1,613,532 alleles (0.00012%); highest among the groups gnomAD compares: Non-Finnish European, 0.00017%; no homozygotes.

Submissions (3):

Labcorp Genetics (formerly Invitae), Labcorp
Classification: Likely benign for Gorlin syndrome. Last evaluated: 2025-06-03. Review status: criteria provided, single submitter. Criteria: Invitae Variant Classification Sherloc (09022015). Collection method: clinical testing. Allele origin: germline.

CeGaT Center for Human Genetics Tuebingen
Classification: Likely benign. Last evaluated: 2025-05-01. Review status: criteria provided, single submitter. Criteria: CeGaT Center For Human Genetics Tuebingen Variant Classification Criteria Version 2. Collection method: clinical testing. Allele origin: germline. Affected: yes. Observed: 1 variant allele.
Comment: PTCH1: BP4, BP7

Ambry Genetics
Classification: Likely benign for Hereditary cancer-predisposing syndrome. Last evaluated: 2019-07-01. Review status: criteria provided, single submitter. Criteria: Ambry Variant Classification Scheme 2023. Collection method: clinical testing. Allele origin: germline.